The following is an entry in ClinVar:

NM_080680.3(COL11A2):c.355C>T (p.Pro119Ser)

Gene: COL11A2 (collagen type XI alpha 2 chain; minus strand). Cytogenetic location: 6p21.32.
Variant type: single nucleotide variant.
Coding change: c.355C>T on transcript NM_080680.3 (MANE Select); coding-DNA position 355, C replaced by T.
Protein change: p.Pro119Ser; replaces proline 119 with serine.
Molecular consequence: missense variant. On other transcripts: 5 prime UTR variant (3), non-coding transcript variant (1).
Genome position (GRCh38, 1-based): chr6:33,189,066, G>A on the plus strand (C>T on the coding strand, the complement: COL11A2 is on the minus strand). VCF-style: chr6-33189066-G-A. GRCh37 (hg19) VCF-style: chr6-33156843-G-A.
Other names: c.-492C>T (NM_001424109.1, NM_001424110.1, NM_001424111.1); c.355C>T, p.Pro119Ser (NM_080679.3, NM_080681.3, NM_001163771.2 and 1 more transcripts); short protein forms P119S.
Identifiers: ClinVar variation 4687644 (VCV004687644.1).

ClinVar aggregate classification (germline): Uncertain significance (1 of 4 stars; one submission).

gnomAD v4.1: 1 of 1,614,210 alleles (0.000062%); highest among the groups gnomAD compares: African/African-American, 0.0013%; no homozygotes.

Submission:

Women's Health and Genetics/Laboratory Corporation of America, LabCorp
Classification: Uncertain significance. Last evaluated: 2025-10-29. Review status: criteria provided, single submitter. Criteria: LabCorp Variant Classification Summary - May 2015. Collection method: clinical testing. Allele origin: germline.
Comment: Variant summary: COL11A2 c.355C>T (p.Pro119Ser) results in a non-conservative amino acid change in the encoded protein sequence. Algorithms developed to predict the effect of missense changes on protein structure and function are either unavailable or do not agree on the potential impact of this missense change. The variant was absent in 251398 control chromosomes. The available data on variant occurrences in the general population are insufficient to allow any conclusion about variant significance. To our knowledge, no occurrence of c.355C>T in individuals affected with COL11A2-related conditions and no experimental evidence demonstrating its impact on protein function have been reported. No submitters have cited clinical-significance assessments for this variant to ClinVar. Based on the evidence outlined above, the variant was classified as uncertain significance.